The following is an entry in ClinVar:

NM_003924.4(PHOX2B):c.655A>T (p.Ser219Cys)

Gene: PHOX2B (paired like homeobox 2B; minus strand). Cytogenetic location: 4p13.
Variant type: single nucleotide variant.
Coding change: c.655A>T on transcript NM_003924.4 (MANE Select); coding-DNA position 655, A replaced by T.
Protein change: p.Ser219Cys; replaces serine 219 with cysteine.
Molecular consequence: missense variant.
Genome position (GRCh38, 1-based): chr4:41,746,097, T>A on the plus strand (A>T on the coding strand, the complement: PHOX2B is on the minus strand). VCF-style: chr4-41746097-T-A. GRCh37 (hg19) VCF-style: chr4-41748114-T-A.
Other names: short protein forms S219C.
Identifiers: ClinVar variation 3417943 (VCV003417943.1).
Genomic context (GRCh38, chr4:41,746,097, plus strand): 5'-CCTTGCCGGGTTCGCCTCCCGGGCCCCCGGGCCCCGCCGCCCCCGGAGCTCCAGCCGGGC[T>A]GGGCCCGCCGCCGCCGCCTCCATTCGCCCCGCAGCTGGGGGTGGGGTTGGGATTGGGACC-3'
Protein context (NP_003915.2, residues 209-229): GANGGGGGGP[Ser219Cys]PAGAPGAAGP

ClinVar aggregate classification (germline): Uncertain significance (1 of 4 stars; one submission).

Conditions:
Hereditary cancer-predisposing syndrome. Also called: Neoplastic Syndromes, Hereditary; Tumor predisposition; Hereditary Cancer Syndrome; Hereditary neoplastic syndrome. Identifiers: Orphanet 140162, MedGen C0027672, MeSH D009386, MONDO:0015356.

Submission:

Ambry Genetics
Classification: Uncertain significance for Hereditary cancer-predisposing syndrome. Last evaluated: 2024-09-25. Review status: criteria provided, single submitter. Criteria: Ambry Variant Classification Scheme 2023. Collection method: clinical testing. Allele origin: germline.
Comment: The p.S219C variant (also known as c.655A>T), located in coding exon 3 of the PHOX2B gene, results from an A to T substitution at nucleotide position 655. The serine at codon 219 is replaced by cysteine, an amino acid with dissimilar properties. This amino acid position is well conserved in available vertebrate species. In addition, this alteration is predicted to be tolerated by in silico analysis. Based on the available evidence, the clinical significance of this variant remains unclear.